The following is an entry in ClinVar:

ClinVar aggregate classification (germline): Uncertain significance (1 of 4 stars; one submission).

Conditions:
SEMA3B-related disorder. Also called: SEMA3B-related condition.

gnomAD v4.1: 7 of 1,533,390 alleles (0.00046%); highest among the groups gnomAD compares: East Asian, 0.0092%; no homozygotes.

Submission:

PreventionGenetics, part of Exact Sciences
Classification: Uncertain significance for SEMA3B-related condition. Last evaluated: 2026-04-02. Review status: criteria provided, single submitter. Criteria: ACMG Guidelines, 2015. Collection method: clinical testing. Allele origin: germline.
Comment: The SEMA3B c.1234C>G variant is predicted to result in the amino acid substitution p.Leu412Val. To our knowledge, this variant has not been reported in the literature or in a large population database (gnomAD), indicating this variant is rare. At this time, the clinical significance of this variant is uncertain due to the absence of conclusive functional and genetic evidence.

NM_001290060.2(SEMA3B):c.1219C>G (p.Leu407Val)

Gene: SEMA3B (semaphorin 3B; plus strand). Cytogenetic location: 3p21.31.
Variant type: single nucleotide variant.
Coding change: c.1219C>G on transcript NM_001290060.2 (MANE Select); coding-DNA position 1219, C replaced by G.
Protein change: p.Leu407Val; replaces leucine 407 with valine.
Molecular consequence: missense variant. On other transcripts: non-coding transcript variant (1).
Genome position (GRCh38, 1-based): chr3:50,274,444, C>G. VCF-style: chr3-50274444-C-G. GRCh37 (hg19) VCF-style: chr3-50311875-C-G.
Other names: c.1216C>G, p.Leu406Val (NM_001005914.3, NM_001435957.1, NM_001435958.1); c.1234C>G, p.Leu412Val (NM_001290061.1); c.190C>G, p.Leu64Val (NM_001290062.2, NM_001290063.2); c.1219C>G, p.Leu407Val (NM_001435956.1, NM_004636.4); short protein forms L406V, L407V, L412V, L64V.
Identifiers: ClinVar variation 4986386 (VCV004986386.1).
Genomic context (GRCh38, chr3:50,274,444, plus strand): 5'-ACCTTCAGTTCCACCAAGGACTTCCCAGACGATGTCATCCAGTTTGCGCGGAACCACCCC[C>G]TCATGTACAACTCTGTCCTGCCCACTGGGGGGCGCCCTCTTTTCCTACAAGTTGGAGCCA-3'
Protein context (NP_001276989.1, residues 397-417): DVIQFARNHP[Leu407Val]MYNSVLPTGG